The following is an entry in ClinVar:

ClinVar aggregate classification (germline): Likely benign (1 of 4 stars; one submission).

Submission:

CeGaT Center for Human Genetics Tuebingen
Classification: Likely benign. Last evaluated: 2025-05-01. Review status: criteria provided, single submitter. Criteria: CeGaT Center For Human Genetics Tuebingen Variant Classification Criteria Version 2. Collection method: clinical testing. Allele origin: germline. Affected: yes. Observed: 1 variant allele.
Comment: F8: BP4, BP7

NM_000132.4(F8):c.5127C>T (p.Ser1709=)

Gene: F8 (coagulation factor VIII; minus strand). Cytogenetic location: Xq28.
Variant type: single nucleotide variant.
Coding change: c.5127C>T on transcript NM_000132.4 (MANE Select); coding-DNA position 5127, C replaced by T.
Protein change: p.Ser1709=; no amino-acid change (serine 1709 retained).
Molecular consequence: synonymous variant.
Genome position (GRCh38, 1-based): chrX:154,928,663, G>A on the plus strand (C>T on the coding strand, the complement: F8 is on the minus strand). VCF-style: chrX-154928663-G-A. GRCh37 (hg19) VCF-style: chrX-154156938-G-A.
Identifiers: ClinVar variation 3905728 (VCV003905728.10).